The following is an entry in ClinVar:

NM_002069.6(GNAI1):c.884C>T (p.Thr295Ile)

Gene: GNAI1 (G protein subunit alpha i1; plus strand). Cytogenetic location: 7q21.11.
Variant type: single nucleotide variant.
Coding change: c.884C>T on transcript NM_002069.6 (MANE Select); coding-DNA position 884, C replaced by T.
Protein change: p.Thr295Ile; replaces threonine 295 with isoleucine.
Molecular consequence: missense variant.
Genome position (GRCh38, 1-based): chr7:80,217,312, C>T. VCF-style: chr7-80217312-C-T. GRCh37 (hg19) VCF-style: chr7-79846628-C-T.
Other names: c.728C>T, p.Thr243Ile (NM_001256414.2); short protein forms T243I, T295I.
Identifiers: ClinVar variation 2123711 (VCV002123711.4), dbSNP rs1788990033, ClinGen allele CA368010988.

ClinVar aggregate classification (germline): Uncertain significance (1 of 4 stars; one submission).

Allele frequency attached by ClinVar (database versions not stated): gnomAD exomes below 0.00001; TOPMed below 0.00001.
gnomAD v4.1: 1 of 1,570,166 alleles (0.000064%); highest among the groups gnomAD compares: African/African-American, 0.0014%; no homozygotes.

Submission:

Labcorp Genetics (formerly Invitae), Labcorp
Classification: Uncertain significance. Last evaluated: 2024-10-25. Review status: criteria provided, single submitter. Criteria: Invitae Variant Classification Sherloc (09022015). Collection method: clinical testing. Allele origin: germline.
Comment: This sequence change replaces threonine, which is neutral and polar, with isoleucine, which is neutral and non-polar, at codon 295 of the GNAI1 protein (p.Thr295Ile). This variant is not present in population databases (gnomAD no frequency). This variant has not been reported in the literature in individuals affected with GNAI1-related conditions. ClinVar contains an entry for this variant (Variation ID: 2123711). Invitae Evidence Modeling of protein sequence and biophysical properties (such as structural, functional, and spatial information, amino acid conservation, physicochemical variation, residue mobility, and thermodynamic stability) indicates that this missense variant is not expected to disrupt GNAI1 protein function with a negative predictive value of 80%. In summary, the available evidence is currently insufficient to determine the role of this variant in disease. Therefore, it has been classified as a Variant of Uncertain Significance.